The following is an entry in ClinVar:

NM_001145475.3(FAM186A):c.4290T>C (p.Ala1430=)

Gene: FAM186A (family with sequence similarity 186 member A; minus strand). Cytogenetic location: 12q13.12.
Variant type: single nucleotide variant.
Coding change: c.4290T>C on transcript NM_001145475.3 (MANE Select); coding-DNA position 4290, T replaced by C.
Protein change: p.Ala1430=; no amino-acid change (alanine 1430 retained).
Molecular consequence: synonymous variant.
Genome position (GRCh38, 1-based): chr12:50,352,542, A>G on the plus strand (T>C on the coding strand, the complement: FAM186A is on the minus strand). VCF-style: chr12-50352542-A-G. GRCh37 (hg19) VCF-style: chr12-50746325-A-G.
Identifiers: ClinVar variation 2642988 (VCV002642988.24), dbSNP rs1274583968, ClinGen allele CA479764292.
Genomic context (GRCh38, chr12:50,352,542, plus strand): 5'-CTGAGCGGTGAGAGGCATCCCCAGGGCCTGGGCCTGCTGAGGGGTGAGAGTGATCTCCTG[A>G]GCCTGTGCCTGCTGAGGGGTGAAAGGGATCCCCAATTCCTGAGCCTGCTGAGGGGTGAGA-3'
Protein context (NP_001138947.1, residues 1420-1440): GIPFTPQQAQ[Ala1430=]QEITLTPQQA

ClinVar aggregate classification (germline): Likely benign (1 of 4 stars; one submission).

Allele frequency attached by ClinVar (database versions not stated): gnomAD 0.00005.

Submission:

CeGaT Center for Human Genetics Tuebingen
Classification: Likely benign. Last evaluated: 2023-08-01. Review status: criteria provided, single submitter. Criteria: CeGaT Center For Human Genetics Tuebingen Variant Classification Criteria Version 2. Collection method: clinical testing. Allele origin: germline. Affected: yes. Observed: 1 variant allele.
Comment: FAM186A: BP4, BP7